The following is an entry in ClinVar:

ClinVar aggregate classification (germline): Uncertain significance (1 of 4 stars; one submission).

Conditions:
Holoprosencephaly 5 (HPE5). Identifiers: Orphanet 2162, MedGen C1864827, MONDO:0012322, OMIM 609637.

Submission:

Labcorp Genetics (formerly Invitae), Labcorp
Classification: Uncertain significance for Holoprosencephaly 5. Last evaluated: 2023-10-10. Review status: criteria provided, single submitter. Criteria: Invitae Variant Classification Sherloc (09022015). Collection method: clinical testing. Allele origin: germline.
Comment: This variant, c.1392_1400dup, results in the insertion of 3 amino acid(s) of the ZIC2 protein (p.Ala468_Ala470dup), but otherwise preserves the integrity of the reading frame. This variant is not present in population databases (gnomAD no frequency). This variant has not been reported in the literature in individuals affected with ZIC2-related conditions. ClinVar contains an entry for this variant (Variation ID: 1422051). Experimental studies and prediction algorithms are not available or were not evaluated, and the functional significance of this variant is currently unknown. In summary, the available evidence is currently insufficient to determine the role of this variant in disease. Therefore, it has been classified as a Variant of Uncertain Significance.

NM_007129.5(ZIC2):c.1392_1400dup (p.Ala468_Ala470dup)

Genes: ZIC2 (Zic family zinc finger 2; plus strand), LOC110008580 (Zic family member 2 polyalanine repeat instability region; plus strand). Cytogenetic location: 13q32.3.
Variant type: Duplication.
Coding change: c.1392_1400dup on transcript NM_007129.5 (MANE Select); coding-DNA positions 1392 to 1400, 9 bases duplicated (TGCGGCGGC; older notation c.1392_1400dupTGCGGCGGC).
Protein change: p.Ala468_Ala470dup.
Molecular consequence: inframe insertion.
Genome position (GRCh38, 1-based): chr13:99,985,475-99,985,483, TGCGGCGGC duplicated; duplicating any 9 consecutive bases within chr13:99,985,467-99,985,483 gives the same sequence; the c. name uses the placement nearest the transcript's 3' end. VCF-style (leftmost placement, unchanged base first): chr13-99985466-G-GGCGGCGGCT. GRCh37 (hg19) VCF-style: chr13-100637720-G-GGCGGCGGCT.
Identifiers: ClinVar variation 1422051 (VCV001422051.8), dbSNP rs765889921, ClinGen allele CA255397178.
Genomic context (GRCh38, chr13:99,985,466, plus strand): 5'-GTCCCCCAGCGCCGAGCCCCAGAGCAGCTCCAACCTGTCCCCAGCGGCGGCGGCAGCGGC[G>GGCGGCGGCT]GCGGCGGCTGCGGCGGCGGCGGCCGCGGTGTCCGCGGTGCACCGGGGCGGAGGCTCGGGC-3'